The following is an entry in ClinVar:

NM_023110.3(FGFR1):c.82C>T (p.Pro28Ser)

Gene: FGFR1 (fibroblast growth factor receptor 1; minus strand). Cytogenetic location: 8p11.23.
Variant type: single nucleotide variant.
Coding change: c.82C>T on transcript NM_023110.3 (MANE Select); coding-DNA position 82, C replaced by T.
Protein change: p.Pro28Ser; replaces proline 28 with serine.
Molecular consequence: missense variant. On other transcripts: 5 prime UTR variant (1).
Genome position (GRCh38, 1-based): chr8:38,457,365, G>A on the plus strand (C>T on the coding strand, the complement: FGFR1 is on the minus strand). VCF-style: chr8-38457365-G-A. GRCh37 (hg19) VCF-style: chr8-38314883-G-A.
Other names: c.82C>T, p.Pro28Ser (NM_000604.2, NM_001174063.2, NM_001174065.2 and 9 more transcripts); c.-11C>T (NM_001174064.2); c.181C>T, p.Pro61Ser (NM_001174067.2); short protein forms P28S, P61S.
Identifiers: ClinVar variation 2928441 (VCV002928441.3), dbSNP rs1204612499, ClinGen allele CA370767134.

ClinVar aggregate classification (germline): Uncertain significance (1 of 4 stars; one submission).

Conditions:
Pfeiffer syndrome (ACS5). Also called: ACS V. Identifiers: Orphanet 710, MedGen C0220658, MONDO:0007043, OMIM 101600.
Hypogonadotropic hypogonadism 2 with or without anosmia (HH2). Also called: HYPOGONADOTROPIC HYPOGONADISM 2 WITHOUT ANOSMIA; FGFR1-Related GnRH Deficiency (Kallmann Syndrome 2); HYPOGONADOTROPIC HYPOGONADISM 2 WITH OR WITHOUT ANOSMIA, SUSCEPTIBILITY TO; HYPOGONADOTROPIC HYPOGONADISM 2 WITHOUT ANOSMIA, SUSCEPTIBILITY TO. Identifiers: Orphanet 478, MedGen C1563720, MONDO:0007844, OMIM 147950. Disease mechanism: loss of function.

Allele frequency attached by ClinVar (database versions not stated): TOPMed below 0.00001; gnomAD 0.00001.
gnomAD v4.1: 13 of 1,612,946 alleles (0.00081%); highest among the groups gnomAD compares: African/African-American, 0.0013%; no homozygotes.

Submission:

Labcorp Genetics (formerly Invitae), Labcorp
Classification: Uncertain significance for Pfeiffer syndrome; Hypogonadotropic hypogonadism 2 with or without anosmia. Last evaluated: 2025-08-12. Review status: criteria provided, single submitter. Criteria: Invitae Variant Classification Sherloc (09022015). Collection method: clinical testing. Allele origin: germline.
Comment: This sequence change replaces proline, which is neutral and non-polar, with serine, which is neutral and polar, at codon 28 of the FGFR1 protein (p.Pro28Ser). This variant is present in population databases (no rsID available, gnomAD 0.01%). This variant has not been reported in the literature in individuals affected with FGFR1-related conditions. ClinVar contains an entry for this variant (Variation ID: 2928441). An algorithm developed to predict the effect of missense changes on protein structure and function outputs the following: PolyPhen-2: "Benign". The serine amino acid residue is found in multiple mammalian species, which suggests that this missense change does not adversely affect protein function. In summary, the available evidence is currently insufficient to determine the role of this variant in disease. Therefore, it has been classified as a Variant of Uncertain Significance.